The following is an entry in ClinVar:

NM_003356.4(UCP3):c.165C>T (p.Leu55=)

Gene: UCP3 (uncoupling protein 3; minus strand). Cytogenetic location: 11q13.4.
Variant type: single nucleotide variant.
Coding change: c.165C>T on transcript NM_003356.4 (MANE Select); coding-DNA position 165, C replaced by T.
Protein change: p.Leu55=; no amino-acid change (leucine 55 retained).
Molecular consequence: synonymous variant.
Genome position (GRCh38, 1-based): chr11:74,006,341, G>A on the plus strand (C>T on the coding strand, the complement: UCP3 is on the minus strand). VCF-style: chr11-74006341-G-A. GRCh37 (hg19) VCF-style: chr11-73717386-G-A.
Other names: c.165C>T, p.Leu55= (NM_022803.3).
Identifiers: ClinVar variation 3043877 (VCV003043877.2), dbSNP rs778756494, ClinGen allele CA6181604.

ClinVar aggregate classification (germline): Likely benign (0 of 4 stars; one submission).

Conditions:
UCP3-related disorder. Also called: UCP3-related condition.

Allele frequency attached by ClinVar (database versions not stated): gnomAD 0.00005; gnomAD exomes 0.00005; ExAC 0.00007.

Submission:

PreventionGenetics, part of Exact Sciences
Classification: Likely benign for UCP3-related condition. Last evaluated: 2021-09-10. Review status: no assertion criteria provided. Collection method: clinical testing. Allele origin: germline.
Comment: This variant is classified as likely benign based on ACMG/AMP sequence variant interpretation guidelines (Richards et al. 2015 PMID: 25741868, with internal and published modifications).